The following is an entry in ClinVar:

ClinVar aggregate classification (germline): Uncertain significance. Review status: criteria provided, multiple submitters, no conflicts (2 of 4 stars). 2 submissions from 2 submitters: Uncertain significance (2). Last evaluated 2021-11-07.

Conditions:
Microcephaly, normal intelligence and immunodeficiency (NBS). Also called: Nijmegen breakage syndrome; Microcephaly with normal intelligence immunodeficiency and lymphoreticular malignancies; Nonsyndromal microcephaly autosomal recessive with normal intelligence; Seemanova syndrome 2; IMMUNODEFICIENCY, MICROCEPHALY, AND CHROMOSOMAL INSTABILITY; SEEMANOVA SYNDROME II. Identifiers: Orphanet 647, MedGen C0398791, MONDO:0009623, OMIM 251260.

Submissions (2):

Genome-Nilou Lab
Classification: Uncertain significance for Microcephaly, normal intelligence and immunodeficiency. Last evaluated: 2021-11-07. Review status: criteria provided, single submitter. Criteria: ACMG Guidelines, 2015. Collection method: clinical testing. Allele origin: germline. Affected: no.

Labcorp Genetics (formerly Invitae), Labcorp
Classification: Uncertain significance for Microcephaly, normal intelligence and immunodeficiency. Last evaluated: 2020-10-20. Review status: criteria provided, single submitter. Criteria: Invitae Variant Classification Sherloc (09022015). Collection method: clinical testing. Allele origin: germline.
Comment: This variant, c.527_538del, results in the deletion of 4 amino acid(s) of the NBN protein (p.Tyr176_Glu179del), but otherwise preserves the integrity of the reading frame. This variant is not present in population databases (ExAC no frequency). This variant has not been reported in the literature in individuals with NBN-related conditions. Experimental studies and prediction algorithms are not available or were not evaluated, and the functional significance of this variant is currently unknown. In summary, the available evidence is currently insufficient to determine the role of this variant in disease. Therefore, it has been classified as a Variant of Uncertain Significance.

NM_002485.5(NBN):c.527_538del (p.Tyr176_Glu179del)

Gene: NBN (nibrin; minus strand). Cytogenetic location: 8q21.3.
Variant type: Deletion.
Coding change: c.527_538del on transcript NM_002485.5 (MANE Select); coding-DNA positions 527 to 538, 12 bases deleted (ATTTTACTGAAT).
Protein change: p.Tyr176_Glu179del.
Molecular consequence: inframe deletion.
Genome position (GRCh38, 1-based): chr8:89,978,266-89,978,277, ATTCAGTAAAAT deleted on the plus strand (ATTTTACTGAAT on the coding strand, the reverse complement: NBN is on the minus strand); deleting any 12 consecutive bases within chr8:89,978,266-89,978,281 gives the same sequence; the c. name uses the placement nearest the transcript's 3' end. VCF-style (leftmost placement, unchanged base first): chr8-89978265-AATTCAGTAAAAT-A. GRCh37 (hg19) VCF-style: chr8-90990493-AATTCAGTAAAAT-A.
Other names: c.281_292del, p.Tyr94_Glu97del (NM_001024688.3).
Identifiers: ClinVar variation 927163 (VCV000927163.14), dbSNP rs1811866878, ClinGen allele CA913187614.